The following is an entry in ClinVar:

ClinVar aggregate classification (germline): Uncertain significance. Review status: criteria provided, multiple submitters, no conflicts (2 of 4 stars). 2 submissions from 2 submitters: Uncertain significance (2). Last evaluated 2025-02-01.

Conditions:
Infantile-onset ascending hereditary spastic paralysis (IAHSP). Also called: Infantile-Onset Ascending Hereditary Spastic Paralysis (IAHSP); Autosomal Recessive Juvenile Amyotrophic Lateral Sclerosis. Identifiers: Orphanet 293168, MedGen C2931441, MONDO:0011797, OMIM 607225. Disease mechanism: loss of function.

Allele frequency attached by ClinVar (database versions not stated): gnomAD 0.00001; gnomAD exomes 0.00001; ExAC 0.00002.
gnomAD v4.1: 9 of 1,613,416 alleles (0.00056%); highest among the groups gnomAD compares: Non-Finnish European, 0.00068%; no homozygotes.

Submissions (2):

CeGaT Center for Human Genetics Tuebingen
Classification: Uncertain significance. Last evaluated: 2025-02-01. Review status: criteria provided, single submitter. Criteria: CeGaT Center For Human Genetics Tuebingen Variant Classification Criteria Version 2. Collection method: clinical testing. Allele origin: germline. Affected: yes. Observed: 1 variant allele.
Comment: ALS2: PM2

Labcorp Genetics (formerly Invitae), Labcorp
Classification: Uncertain significance for Infantile-onset ascending hereditary spastic paralysis. Last evaluated: 2024-02-05. Review status: criteria provided, single submitter. Criteria: Invitae Variant Classification Sherloc (09022015). Collection method: clinical testing. Allele origin: germline.
Comment: This sequence change replaces proline, which is neutral and non-polar, with arginine, which is basic and polar, at codon 1266 of the ALS2 protein (p.Pro1266Arg). This variant is present in population databases (rs748469205, gnomAD 0.003%). This missense change has been observed in individual(s) with amyotrophic lateral sclerosis (PMID: 35896380). ClinVar contains an entry for this variant (Variation ID: 2080248). Advanced modeling of protein sequence and biophysical properties (such as structural, functional, and spatial information, amino acid conservation, physicochemical variation, residue mobility, and thermodynamic stability) performed at Invitae indicates that this missense variant is not expected to disrupt ALS2 protein function with a negative predictive value of 80%. In summary, the available evidence is currently insufficient to determine the role of this variant in disease. Therefore, it has been classified as a Variant of Uncertain Significance.

Literature cited by the submitters: PubMed 35896380 (cited by Labcorp Genetics (formerly Invitae), Labcorp).

NM_020919.4(ALS2):c.3797C>G (p.Pro1266Arg)

Gene: ALS2 (alsin Rho guanine nucleotide exchange factor ALS2; minus strand). Cytogenetic location: 2q33.1.
Variant type: single nucleotide variant.
Coding change: c.3797C>G on transcript NM_020919.4 (MANE Select); coding-DNA position 3797, C replaced by G.
Protein change: p.Pro1266Arg; replaces proline 1266 with arginine.
Molecular consequence: missense variant.
Genome position (GRCh38, 1-based): chr2:201,718,116, G>C on the plus strand (C>G on the coding strand, the complement: ALS2 is on the minus strand). VCF-style: chr2-201718116-G-C. GRCh37 (hg19) VCF-style: chr2-202582839-G-C.
Other names: c.3797C>G, p.Pro1266Arg (NM_001410975.1); short protein forms P1266R.
Identifiers: ClinVar variation 2080248 (VCV002080248.17), dbSNP rs748469205, ClinGen allele CA2057760.